The following is an entry in ClinVar:

NM_000257.4(MYH7):c.2645A>G (p.Gln882Arg)

Genes: MYH7 (myosin heavy chain 7; minus strand), LOC126861898 (BRD4-independent group 4 enhancer GRCh37_chr14:23893609-23894808; plus strand). Cytogenetic location: 14q11.2.
Variant type: single nucleotide variant.
Coding change: c.2645A>G on transcript NM_000257.4 (MANE Select); coding-DNA position 2645, A replaced by G.
Protein change: p.Gln882Arg; replaces glutamine 882 with arginine.
Molecular consequence: missense variant.
Genome position (GRCh38, 1-based): chr14:23,424,803, T>C on the plus strand (A>G on the coding strand, the complement: MYH7 is on the minus strand). VCF-style: chr14-23424803-T-C. GRCh37 (hg19) VCF-style: chr14-23894012-T-C.
Other names: c.2645A>G, p.Gln882Arg (NM_001407004.1); short protein forms Q882R.
Identifiers: ClinVar variation 3387331 (VCV003387331.1).

ClinVar aggregate classification (germline): Uncertain significance (1 of 4 stars; one submission).

Conditions:
Cardiomyopathy (CMYO). Also called: Cardiomyopathies. Identifiers: Orphanet 167848, MedGen C0878544, MONDO:0004994, HP:0001638. Inheritance: Various modes of inheritance.

Submission:

All of Us Research Program, National Institutes of Health
Classification: Uncertain significance for Cardiomyopathy. Last evaluated: 2024-07-10. Review status: criteria provided, single submitter. Criteria: ACMG Guidelines, 2015. Collection method: clinical testing. Allele origin: germline. Inheritance: Autosomal dominant inheritance. Observed: 1 variant allele, 1 heterozygote.
Comment: This missense variant replaces glutamine with arginine at codon 882 of the MYH7 protein. Computational prediction tools indicate that this variant has a deleterious impact on protein structure and function. To our knowledge, functional studies have not been reported for this variant. This variant has been reported in an individual affected with dilated cardiomyopathy (PMID: 25979592). This variant has not been identified in the general population by the Genome Aggregation Database (gnomAD). The available evidence is insufficient to determine the role of this variant in disease conclusively. Therefore, this variant is classified as a Variant of Uncertain Significance.

This study involves interpretation of variants in research participants for the purpose of population health screening. Participant phenotype was not available at the time of variant classification. Additional details can be found in publication PMID: 35346344, PMCID: PMC8962531

Literature cited by the submitters: PubMed 25979592.